The following is an entry in ClinVar:

ClinVar aggregate classification (germline): Uncertain significance. Review status: criteria provided, multiple submitters, no conflicts (2 of 4 stars). 2 submissions from 2 submitters: Uncertain significance (2). Last evaluated 2024-11-28.

Conditions:
Dyskeratosis congenita, autosomal recessive 5 (DKCB5). Identifiers: MedGen C3554656, MONDO:0014076, OMIM 615190.
Pulmonary fibrosis and/or bone marrow failure, Telomere-related, 3. Also called: PULMONARY FIBROSIS AND/OR BONE MARROW FAILURE SYNDROME, TELOMERE-RELATED, 3. Identifiers: Orphanet 2032, MedGen C4225346, MONDO:0014613, OMIM 616373.
Inborn genetic diseases. Identifiers: MedGen C0950123, MeSH D030342.

Allele frequency attached by ClinVar (database versions not stated): gnomAD exomes below 0.00001; TOPMed below 0.00001; ExAC 0.00001.
gnomAD v4.1: 13 of 1,612,386 alleles (0.00081%); highest among the groups gnomAD compares: South Asian, 0.0011%; no homozygotes.

Submissions (2):

Ambry Genetics
Classification: Uncertain significance for Inborn genetic diseases. Last evaluated: 2024-11-28. Review status: criteria provided, single submitter. Criteria: Ambry Variant Classification Scheme 2023. Collection method: clinical testing. Allele origin: germline.
Comment: The p.R655Q variant (also known as c.1964G>A), located in coding exon 22 of the RTEL1 gene, results from a G to A substitution at nucleotide position 1964. The arginine at codon 655 is replaced by glutamine, an amino acid with highly similar properties. This amino acid position is conserved. In addition, the in silico prediction for this alteration is inconclusive. Based on the available evidence, the clinical significance of this variant remains unclear.

Labcorp Genetics (formerly Invitae), Labcorp
Classification: Uncertain significance for Dyskeratosis congenita, autosomal recessive 5; Pulmonary fibrosis and/or bone marrow failure, Telomere-related, 3. Last evaluated: 2021-09-01. Review status: criteria provided, single submitter. Criteria: Invitae Variant Classification Sherloc (09022015). Collection method: clinical testing. Allele origin: germline.
Comment: This sequence change replaces arginine with glutamine at codon 655 of the RTEL1 protein (p.Arg655Gln). The arginine residue is moderately conserved and there is a small physicochemical difference between arginine and glutamine. This variant is present in population databases (rs753884575, ExAC 0.002%). This variant has not been reported in the literature in individuals affected with RTEL1-related conditions. Algorithms developed to predict the effect of missense changes on protein structure and function are either unavailable or do not agree on the potential impact of this missense change (SIFT: "Tolerated"; PolyPhen-2: "Probably Damaging"; Align-GVGD: "Class C0"). Algorithms developed to predict the effect of sequence changes on RNA splicing suggest that this variant may create or strengthen a splice site. In summary, the available evidence is currently insufficient to determine the role of this variant in disease. Therefore, it has been classified as a Variant of Uncertain Significance.

NM_001283009.2(RTEL1):c.1964G>A (p.Arg655Gln)

Genes: RTEL1 (regulator of telomere elongation helicase 1; plus strand), RTEL1-TNFRSF6B (RTEL1-TNFRSF6B readthrough (NMD candidate); plus strand). Cytogenetic location: 20q13.33.
Variant type: single nucleotide variant.
Coding change: c.1964G>A on transcript NM_001283009.2 (MANE Select); coding-DNA position 1964, G replaced by A.
Protein change: p.Arg655Gln; replaces arginine 655 with glutamine.
Molecular consequence: missense variant. On other transcripts: non-coding transcript variant (1).
Genome position (GRCh38, 1-based): chr20:63,689,587, G>A. VCF-style: chr20-63689587-G-A. GRCh37 (hg19) VCF-style: chr20-62320940-G-A.
Other names: c.1295G>A, p.Arg432Gln (NM_001283010.1); c.1964G>A, p.Arg655Gln (NM_016434.4); c.2036G>A, p.Arg679Gln (NM_032957.5); short protein forms R655Q, R432Q, R679Q.
Identifiers: ClinVar variation 941168 (VCV000941168.8), dbSNP rs753884575, ClinGen allele CA9965094.